The following is an entry in ClinVar:

NM_198271.5(LMOD3):c.149T>A (p.Val50Glu)

Genes: LMOD3 (leiomodin 3; minus strand), LOC126806710 (CDK7 strongly-dependent group 2 enhancer GRCh37_chr3:69170601-69171800; plus strand). Cytogenetic location: 3p14.1.
Variant type: single nucleotide variant.
Coding change: c.149T>A on transcript NM_198271.5 (MANE Select); coding-DNA position 149, T replaced by A.
Protein change: p.Val50Glu; replaces valine 50 with glutamic acid.
Molecular consequence: missense variant.
Genome position (GRCh38, 1-based): chr3:69,122,238, A>T on the plus strand (T>A on the coding strand, the complement: LMOD3 is on the minus strand). VCF-style: chr3-69122238-A-T. GRCh37 (hg19) VCF-style: chr3-69171389-A-T.
Other names: c.149T>A, p.Val50Glu (NM_001304418.3); short protein forms V50E.
Identifiers: ClinVar variation 940038 (VCV000940038.1), dbSNP rs2092411499, ClinGen allele CA353479313.

ClinVar aggregate classification (germline): Uncertain significance (1 of 4 stars; one submission).

Conditions:
Nemaline myopathy 10 (NEM10). Identifiers: MedGen C4015360, MONDO:0014513, OMIM 616165.

Submission:

Labcorp Genetics (formerly Invitae), Labcorp
Classification: Uncertain significance for Nemaline myopathy 10. Last evaluated: 2019-08-20. Review status: criteria provided, single submitter. Criteria: Invitae Variant Classification Sherloc (09022015). Collection method: clinical testing. Allele origin: germline.
Comment: This sequence change replaces valine with glutamic acid at codon 50 of the LMOD3 protein (p.Val50Glu). The valine residue is moderately conserved and there is a moderate physicochemical difference between valine and glutamic acid. This variant is not present in population databases (ExAC no frequency). This variant has not been reported in the literature in individuals with LMOD3-related conditions. Algorithms developed to predict the effect of missense changes on protein structure and function are either unavailable or do not agree on the potential impact of this missense change (SIFT: "Deleterious"; PolyPhen-2: "Possibly Damaging"; Align-GVGD: "Class C0"). In summary, the available evidence is currently insufficient to determine the role of this variant in disease. Therefore, it has been classified as a Variant of Uncertain Significance.